The following is an entry in ClinVar:

ClinVar aggregate classification (germline): Likely benign (1 of 4 stars; one submission).

Allele frequency attached by ClinVar (database versions not stated): ESP Exome Variant Server 0.00008; TOPMed 0.00010; gnomAD 0.00015; gnomAD exomes 0.00024; ExAC 0.00028.
gnomAD v4.1: 361 of 1,613,416 alleles (0.022%); highest among the groups gnomAD compares: Non-Finnish European, 0.025%; no homozygotes.

Submission:

CeGaT Center for Human Genetics Tuebingen
Classification: Likely benign. Last evaluated: 2022-04-01. Review status: criteria provided, single submitter. Criteria: CeGaT Center For Human Genetics Tuebingen Variant Classification Criteria Version 2. Collection method: clinical testing. Allele origin: germline. Affected: yes. Observed: 1 variant allele.
Comment: CELSR1: BP4, BP7

NM_001378328.1(CELSR1):c.5097C>T (p.Val1699=)

Gene: CELSR1 (cadherin EGF LAG seven-pass G-type receptor 1; minus strand). Cytogenetic location: 22q13.31.
Variant type: single nucleotide variant.
Coding change: c.5097C>T on transcript NM_001378328.1 (MANE Select); coding-DNA position 5097, C replaced by T.
Protein change: p.Val1699=; no amino-acid change (valine 1699 retained).
Molecular consequence: synonymous variant.
Genome position (GRCh38, 1-based): chr22:46,409,125, G>A on the plus strand (C>T on the coding strand, the complement: CELSR1 is on the minus strand). VCF-style: chr22-46409125-G-A. GRCh37 (hg19) VCF-style: chr22-46805022-G-A.
Other names: c.5097C>T, p.Val1699= (NM_014246.4).
Identifiers: ClinVar variation 2653330 (VCV002653330.24), dbSNP rs367960136, ClinGen allele CA10294366.
Genomic context (GRCh38, chr22:46,409,125, plus strand): 5'-GAACATGAGCCCCAGGTACCAGGGCACAGAGATGATGATGTTCAGGTCACTCCAGGACAC[G>A]ACGCTCTCACCGCTGAAGAGCTGGGGGTGAGGCATGGCTGCGGACACAGGCCCAGGGACC-3'
Protein context (NP_001365257.1, residues 1689-1709): PHPQLFSGES[Val1699=]VSWSDLNIII